The following is an entry in ClinVar:

NM_004595.5(SMS):c.171-1G>T

Gene: SMS (spermine synthase; plus strand). Cytogenetic location: Xp22.11.
Variant type: single nucleotide variant.
Coding change: c.171-1G>T on transcript NM_004595.5 (MANE Select); the canonical splice acceptor site of the intron before coding-DNA position 171, G replaced by T.
Molecular consequence: splice acceptor variant. On other transcripts: intron variant (1).
Genome position (GRCh38, 1-based): chrX:21,971,896, G>T. VCF-style: chrX-21971896-G-T. GRCh37 (hg19) VCF-style: chrX-21990014-G-T.
Other names: c.170+4580G>T (NM_001258423.2).
Identifiers: ClinVar variation 5029993 (VCV005029993.1).
Genomic context (GRCh38, chrX:21,971,896, plus strand): 5'-CTCTTTTTTTTTTAATGCCCCGATACAATTCTTAAGCTTAAAATTATATTTTCCTTTGTA[G>T]CTTTGCCAATTTGAGAATTTACCCACATGGATTGGTGTTGCTGGACCTTCAGAGTTATGA-3'

ClinVar aggregate classification (germline): Likely pathogenic (1 of 4 stars; one submission).

Conditions:
Inborn genetic diseases. Identifiers: MedGen C0950123, MeSH D030342.

Submission:

Ambry Genetics
Classification: Likely pathogenic for Inborn genetic diseases. Last evaluated: 2026-08-07. Review status: criteria provided, single submitter. Criteria: Ambry Variant Classification Scheme 2023. Collection method: clinical testing. Allele origin: germline.
Comment: The c.171-1G>T intronic alteration consists of a G to T substitution one nucleotide before exon 3 (coding exon 3) of the SMS gene. Variants that disrupt the canonical splice site are expected to cause aberrant splicing, resulting in an abnormal protein or a transcript that is subject to nonsense-mediated mRNA decay. This variant was not reported in population-based cohorts in the Genome Aggregation Database (gnomAD). This nucleotide position is highly conserved in available vertebrate species. In silico splice site analysis predicts that this alteration will weaken the native splice acceptor site. Based on the available evidence, this alteration is classified as likely pathogenic.